The following is an entry in ClinVar:

ClinVar aggregate classification (germline): Uncertain significance (1 of 4 stars; one submission).

Conditions:
Familial cancer of breast. Also called: BREAST CANCER, FAMILIAL; Hereditary breast cancer; hereditary breast carcinoma. Identifiers: Orphanet 227535, MedGen C0346153, MONDO:0016419, OMIM 114480. Disease mechanism: loss of function.

Submission:

Labcorp Genetics (formerly Invitae), Labcorp
Classification: Uncertain significance for Familial cancer of breast. Last evaluated: 2017-12-21. Review status: criteria provided, single submitter. Criteria: Invitae Variant Classification Sherloc (09022015). Collection method: clinical testing. Allele origin: germline.
Comment: Algorithms developed to predict the effect of missense changes on protein structure and function (SIFT, PolyPhen-2, Align-GVGD) all suggest that this variant is likely to be tolerated, but these predictions have not been confirmed by published functional studies and their clinical significance is uncertain. In summary, the available evidence is currently insufficient to determine the role of this variant in disease. Therefore, it has been classified as a Variant of Uncertain Significance. This variant has not been reported in the literature in individuals with PALB2-related disease. This variant is not present in population databases (ExAC no frequency). This sequence change replaces histidine with asparagine at codon 130 of the PALB2 protein (p.His130Asn). The histidine residue is moderately conserved and there is a small physicochemical difference between histidine and asparagine.

NM_024675.4(PALB2):c.388C>A (p.His130Asn)

Gene: PALB2 (partner and localizer of BRCA2; minus strand). Cytogenetic location: 16p12.2.
Variant type: single nucleotide variant.
Coding change: c.388C>A on transcript NM_024675.4 (MANE Select); coding-DNA position 388, C replaced by A.
Protein change: p.His130Asn; replaces histidine 130 with asparagine.
Molecular consequence: missense variant.
Genome position (GRCh38, 1-based): chr16:23,636,158, G>T on the plus strand (C>A on the coding strand, the complement: PALB2 is on the minus strand). VCF-style: chr16-23636158-G-T. GRCh37 (hg19) VCF-style: chr16-23647479-G-T.
Other names: short protein forms H130N.
Identifiers: ClinVar variation 530135 (VCV000530135.9), dbSNP rs1555461809, ClinGen allele CA395137454.